The following is an entry in ClinVar:

ClinVar aggregate classification (germline): Uncertain significance (1 of 4 stars; one submission).

Submission:

GeneDx
Classification: Uncertain significance. Last evaluated: 2026-04-01. Review status: criteria provided, single submitter. Criteria: GeneDx Variant Classification Process June 2021. Collection method: clinical testing. Allele origin: germline.
Comment: Not observed at significant frequency in large population cohorts (gnomAD); In silico analysis suggests that this missense variant does not alter protein structure/function; Has not been previously published as pathogenic or benign to our knowledge

NM_001009944.3(PKD1):c.4594G>A (p.Glu1532Lys)

Gene: PKD1 (polycystin 1, transient receptor potential channel interacting; minus strand). Cytogenetic location: 16p13.3.
Variant type: single nucleotide variant.
Coding change: c.4594G>A on transcript NM_001009944.3 (MANE Select); coding-DNA position 4594, G replaced by A.
Protein change: p.Glu1532Lys; replaces glutamic acid 1532 with lysine.
Molecular consequence: missense variant.
Genome position (GRCh38, 1-based): chr16:2,110,573, C>T on the plus strand (G>A on the coding strand, the complement: PKD1 is on the minus strand). VCF-style: chr16-2110573-C-T. GRCh37 (hg19) VCF-style: chr16-2160574-C-T.
Other names: c.4594G>A, p.Glu1532Lys (NM_000296.4); short protein forms E1532K.
Identifiers: ClinVar variation 5016972 (VCV005016972.1).